The following is an entry in ClinVar:

ClinVar aggregate classification (germline): Pathogenic. Review status: criteria provided, multiple submitters, no conflicts (2 of 4 stars). 2 submissions from 2 submitters: Pathogenic (2). Last evaluated 2023-10-18.

Conditions:
Carnitine palmitoyltransferase II deficiency. Also called: Carnitine Palmitoyltransferase 2 Deficiency. Identifiers: Orphanet 157, MedGen C0342790, MONDO:0015515.
Encephalopathy, acute, infection-induced, susceptibility to, 4. Identifiers: Orphanet 263524, MedGen C3280160, MONDO:0013633, OMIM 614212.

Submissions (2):

Labcorp Genetics (formerly Invitae), Labcorp
Classification: Pathogenic for Carnitine palmitoyltransferase II deficiency. Last evaluated: 2023-10-18. Review status: criteria provided, single submitter. Criteria: Invitae Variant Classification Sherloc (09022015). Collection method: clinical testing. Allele origin: germline.
Comment: This sequence change creates a premature translational stop signal (p.Thr482Trpfs*49) in the CPT2 gene. It is expected to result in an absent or disrupted protein product. Loss-of-function variants in CPT2 are known to be pathogenic (PMID: 16781677, 16996287). This variant is present in population databases (rs757126340, gnomAD 0.002%). This premature translational stop signal has been observed in individual(s) with carnitine palmitoyltransferase II deficiency (PMID: 16996287). For these reasons, this variant has been classified as Pathogenic.

Baylor Genetics
Classification: Pathogenic for Encephalopathy, acute, infection-induced, susceptibility to, 4. Last evaluated: 2023-04-28. Review status: criteria provided, single submitter. Criteria: ACMG Guidelines, 2015. Collection method: clinical testing. Allele origin: unknown.

Literature cited by the submitters: PubMed 16781677 (cited by Labcorp Genetics (formerly Invitae), Labcorp); PubMed 16996287 (cited by Labcorp Genetics (formerly Invitae), Labcorp).

NM_000098.3(CPT2):c.1444_1447del (p.Thr482fs)

Gene: CPT2 (carnitine palmitoyltransferase 2; plus strand). Cytogenetic location: 1p32.3.
Variant type: Deletion.
Coding change: c.1444_1447del on transcript NM_000098.3 (MANE Select); coding-DNA positions 1444 to 1447, 4 bases deleted (ACAG; older notation c.1444_1447delACAG).
Protein change: p.Thr482fs; shifts the reading frame from threonine 482.
Molecular consequence: frameshift variant.
Genome position (GRCh38, 1-based): chr1:53,211,118-53,211,121, ACAG deleted; deleting any 4 consecutive bases within chr1:53,211,115-53,211,121 gives the same sequence; the c. name uses the placement nearest the transcript's 3' end. VCF-style (leftmost placement, unchanged base first): chr1-53211114-GCAGA-G. GRCh37 (hg19) VCF-style: chr1-53676786-GCAGA-G.
Other names: c.1444_1447del, p.Thr482fs (NM_001330589.2); short protein forms T482fs.
Identifiers: ClinVar variation 2680944 (VCV002680944.4), dbSNP rs757126340, ClinGen allele CA859204.